The following is an entry in ClinVar:

ClinVar aggregate classification (germline): Uncertain significance (1 of 4 stars; one submission).

Allele frequency attached by ClinVar (database versions not stated): ExAC 0.00001; gnomAD 0.00001; TOPMed 0.00002; gnomAD exomes 0.00003.
gnomAD v4.1: 12 of 1,613,208 alleles (0.00074%); highest among the groups gnomAD compares: Admixed American, 0.01%; no homozygotes.

Submission:

Labcorp Genetics (formerly Invitae), Labcorp
Classification: Uncertain significance. Last evaluated: 2021-12-07. Review status: criteria provided, single submitter. Criteria: Invitae Variant Classification Sherloc (09022015). Collection method: clinical testing. Allele origin: germline.
Comment: This sequence change replaces arginine with glutamine at codon 689 of the EXOC6B protein (p.Arg689Gln). The arginine residue is moderately conserved and there is a small physicochemical difference between arginine and glutamine. This variant is present in population databases (rs761229954, gnomAD 0.02%). This variant has not been reported in the literature in individuals affected with EXOC6B-related conditions. Experimental studies and prediction algorithms are not available or were not evaluated, and the functional significance of this variant is currently unknown. In summary, the available evidence is currently insufficient to determine the role of this variant in disease. Therefore, it has been classified as a Variant of Uncertain Significance.

NM_015189.3(EXOC6B):c.2066G>A (p.Arg689Gln)

Gene: EXOC6B (exocyst complex component 6B; minus strand). Cytogenetic location: 2p13.2.
Variant type: single nucleotide variant.
Coding change: c.2066G>A on transcript NM_015189.3 (MANE Select); coding-DNA position 2066, G replaced by A.
Protein change: p.Arg689Gln; replaces arginine 689 with glutamine.
Molecular consequence: missense variant. On other transcripts: non-coding transcript variant (1).
Genome position (GRCh38, 1-based): chr2:72,379,785, C>T on the plus strand (G>A on the coding strand, the complement: EXOC6B is on the minus strand). VCF-style: chr2-72379785-C-T. GRCh37 (hg19) VCF-style: chr2-72606914-C-T.
Other names: c.2066G>A, p.Arg689Gln (NM_001321729.2, NM_001321731.2); c.1931G>A, p.Arg644Gln (NM_001321730.2, NM_001321733.2); c.1727G>A, p.Arg576Gln (NM_001321734.2); short protein forms R644Q, R689Q, R576Q.
Identifiers: ClinVar variation 1494034 (VCV001494034.3), dbSNP rs761229954, ClinGen allele CA1708292.